The following is an entry in ClinVar:

NM_014956.5(CEP164):c.1771G>A (p.Ala591Thr)

Gene: CEP164 (centrosomal protein 164; plus strand). Cytogenetic location: 11q23.3.
Variant type: single nucleotide variant.
Coding change: c.1771G>A on transcript NM_014956.5 (MANE Select); coding-DNA position 1771, G replaced by A.
Protein change: p.Ala591Thr; replaces alanine 591 with threonine.
Molecular consequence: missense variant.
Genome position (GRCh38, 1-based): chr11:117,387,249, G>A. VCF-style: chr11-117387249-G-A. GRCh37 (hg19) VCF-style: chr11-117257965-G-A.
Other names: c.1780G>A, p.Ala594Thr (NM_001271933.2); short protein forms A591T, A594T.
Identifiers: ClinVar variation 2143131 (VCV002143131.2), dbSNP rs1461354410, ClinGen allele CA382717209.
Genomic context (GRCh38, chr11:117,387,249, plus strand): 5'-CCCACCCATGGTAGGCGATCCACAGAGCCTGTGGCTCCCCCAGAGCAGCTCTCAGAGGCT[G>A]CACTAAAGGCCATGGAAGAGGCAGTGGCCCAAGTACTCGAGCAAGACCAGAGGCACCTGC-3'
Protein context (NP_055771.4, residues 581-601): VAPPEQLSEA[Ala591Thr]LKAMEEAVAQ

ClinVar aggregate classification (germline): Uncertain significance (1 of 4 stars; one submission).

Conditions:
Nephronophthisis 15 (NPHP15). Identifiers: Orphanet 3156, MedGen C3541853, MONDO:0013917, OMIM 614845.

Submission:

Labcorp Genetics (formerly Invitae), Labcorp
Classification: Uncertain significance for Nephronophthisis 15. Last evaluated: 2022-10-13. Review status: criteria provided, single submitter. Criteria: Invitae Variant Classification Sherloc (09022015). Collection method: clinical testing. Allele origin: germline.
Comment: This sequence change replaces alanine, which is neutral and non-polar, with threonine, which is neutral and polar, at codon 591 of the CEP164 protein (p.Ala591Thr). This variant is not present in population databases (gnomAD no frequency). This variant has not been reported in the literature in individuals affected with CEP164-related conditions. Advanced modeling of protein sequence and biophysical properties (such as structural, functional, and spatial information, amino acid conservation, physicochemical variation, residue mobility, and thermodynamic stability) performed at Invitae indicates that this missense variant is not expected to disrupt CEP164 protein function. In summary, the available evidence is currently insufficient to determine the role of this variant in disease. Therefore, it has been classified as a Variant of Uncertain Significance.